The following is an entry in ClinVar:

NM_003458.4(BSN):c.5932G>A (p.Gly1978Ser)

Gene: BSN (bassoon presynaptic cytomatrix protein; plus strand). Cytogenetic location: 3p21.31.
Variant type: single nucleotide variant.
Coding change: c.5932G>A on transcript NM_003458.4 (MANE Select); coding-DNA position 5932, G replaced by A.
Protein change: p.Gly1978Ser; replaces glycine 1978 with serine.
Molecular consequence: missense variant.
Genome position (GRCh38, 1-based): chr3:49,655,488, G>A. VCF-style: chr3-49655488-G-A. GRCh37 (hg19) VCF-style: chr3-49692921-G-A.
Other names: short protein forms G1978S.
Identifiers: ClinVar variation 5018316 (VCV005018316.1).

ClinVar aggregate classification (germline): Uncertain significance (1 of 4 stars; one submission).

Submission:

GeneDx
Classification: Uncertain significance. Last evaluated: 2026-04-09. Review status: criteria provided, single submitter. Criteria: GeneDx Variant Classification Process June 2021. Collection method: clinical testing. Allele origin: germline.
Comment: Not observed at significant frequency in large population cohorts (gnomAD); In silico analysis supports that this missense variant has a deleterious effect on protein structure/function; Has not been previously published as pathogenic or benign to our knowledge